The following is an entry in ClinVar:

NM_020699.4(GATAD2B):c.1700G>A (p.Ser567Asn)

Gene: GATAD2B (GATA zinc finger domain containing 2B; minus strand). Cytogenetic location: 1q21.3.
Variant type: single nucleotide variant.
Coding change: c.1700G>A on transcript NM_020699.4 (MANE Select); coding-DNA position 1700, G replaced by A.
Protein change: p.Ser567Asn; replaces serine 567 with asparagine.
Molecular consequence: missense variant.
Genome position (GRCh38, 1-based): chr1:153,810,259, C>T on the plus strand (G>A on the coding strand, the complement: GATAD2B is on the minus strand). VCF-style: chr1-153810259-C-T. GRCh37 (hg19) VCF-style: chr1-153782735-C-T.
Other names: short protein forms S567N.
Identifiers: ClinVar variation 4760801 (VCV004760801.1).

ClinVar aggregate classification (germline): Uncertain significance (1 of 4 stars; one submission).

Submission:

Labcorp Genetics (formerly Invitae), Labcorp
Classification: Uncertain significance. Last evaluated: 2025-07-13. Review status: criteria provided, single submitter. Criteria: Invitae Variant Classification Sherloc (09022015). Collection method: clinical testing. Allele origin: germline.
Comment: This sequence change replaces serine, which is neutral and polar, with asparagine, which is neutral and polar, at codon 567 of the GATAD2B protein (p.Ser567Asn). This variant is not present in population databases (gnomAD no frequency). This variant has not been reported in the literature in individuals affected with GATAD2B-related conditions. Invitae Evidence Modeling of protein sequence and biophysical properties (such as structural, functional, and spatial information, amino acid conservation, physicochemical variation, residue mobility, and thermodynamic stability) indicates that this missense variant is expected to disrupt GATAD2B protein function with a positive predictive value of 80%. In summary, the available evidence is currently insufficient to determine the role of this variant in disease. Therefore, it has been classified as a Variant of Uncertain Significance.